The following is an entry in ClinVar:

ClinVar aggregate classification (germline): Conflicting classifications of pathogenicity. Review status: criteria provided, conflicting classifications (1 of 4 stars). 13 submissions from 12 submitters: Uncertain significance (8); Benign (1); Likely benign (2). 2 of the submissions do not count toward it. Last evaluated 2026-06-16.

Conditions:
Polyps, multiple and recurrent inflammatory fibroid, gastrointestinal. Identifiers: MedGen C5193005, MONDO:0008285, OMIM 175510.
PDGFRA-related disorder. Also called: PDGFRA-related condition.
Idiopathic hypereosinophilic syndrome (HES). Identifiers: Orphanet 3260, MedGen C0206141, MONDO:0011895, OMIM 607685. Disease mechanism: gain of function.
Hereditary cancer-predisposing syndrome. Also called: Hereditary Cancer Syndrome; Tumor predisposition; Neoplastic Syndromes, Hereditary; Hereditary neoplastic syndrome. Identifiers: Orphanet 140162, MedGen C0027672, MeSH D009386, MONDO:0015356.
Gastrointestinal stromal tumor. Also called: Gastrointestinal stromal tumor, somatic; Gastrointestinal stroma tumor. Identifiers: Orphanet 44890, MedGen C0238198, MeSH D046152, MONDO:0011719, OMIM 606764, HP:0100723.

Allele frequency attached by ClinVar (database versions not stated): gnomAD exomes 0.00008 and 0.00006; TOPMed 0.00005; ESP Exome Variant Server 0.00015; ExAC 0.00007; gnomAD 0.00004.

Submissions (13):

Myriad Genetics, Inc.
Classification: Likely benign for Polyps, multiple and recurrent inflammatory fibroid, gastrointestinal. Last evaluated: 2026-06-16. Review status: criteria provided, single submitter. Criteria: Myriad Autosomal Dominant, Autosomal Recessive and X-Linked Classification Criteria (2023). Collection method: clinical testing. Allele origin: unknown.
Comment: This variant is considered likely benign. This variant has been observed at a population frequency that is significantly greater than expected given the associated disease prevalence and penetrance.

Labcorp Genetics (formerly Invitae), Labcorp
Classification: Uncertain significance for Gastrointestinal stromal tumor. Last evaluated: 2026-02-03. Review status: criteria provided, single submitter. Criteria: Invitae Variant Classification Sherloc (09022015). Collection method: clinical testing. Allele origin: germline.
Comment: This sequence change replaces histidine, which is basic and polar, with arginine, which is basic and polar, at codon 966 of the PDGFRA protein (p.His966Arg). This variant is present in population databases (rs200042995, gnomAD 0.01%). This variant has not been reported in the literature in individuals affected with PDGFRA-related conditions. ClinVar contains an entry for this variant (Variation ID: 41798). Invitae Evidence Modeling of protein sequence and biophysical properties (such as structural, functional, and spatial information, amino acid conservation, physicochemical variation, residue mobility, and thermodynamic stability) indicates that this missense variant is not expected to disrupt PDGFRA protein function with a negative predictive value of 80%. In summary, the available evidence is currently insufficient to determine the role of this variant in disease. Therefore, it has been classified as a Variant of Uncertain Significance.

GeneDx
Classification: Uncertain significance. Last evaluated: 2025-03-20. Review status: criteria provided, single submitter. Criteria: GeneDx Variant Classification Process June 2021. Collection method: clinical testing. Allele origin: germline.
Comment: In silico analysis indicates that this missense variant does not alter protein structure/function; Has not been previously published as pathogenic or benign to our knowledge; This variant is associated with the following publications: (PMID: 22703879)

St. Jude Molecular Pathology, St. Jude Children's Research Hospital
Classification: Uncertain significance for Polyps, multiple and recurrent inflammatory fibroid, gastrointestinal. Last evaluated: 2025-02-05. Review status: criteria provided, single submitter. Criteria: St. Jude Assertion Criteria 2020. Collection method: clinical testing. Allele origin: germline.
Comment: The PDGFRA c.2897A>G (p.His966Arg) missense change has a maximum subpopulation frequency of 0.01% in gnomAD v2.1.1. The in silico tool REVEL predicts a benign effect on protein function, but this prediction has not been confirmed by functional studies. This variant has not been reported in individuals with PDGFRA-related conditions. In summary, the evidence currently available is insufficient to determine the clinical significance of this variant. It has therefore been classified as of uncertain significance.

Ambry Genetics
Classification: Benign for Hereditary cancer-predisposing syndrome. Last evaluated: 2024-08-20. Review status: criteria provided, single submitter. Criteria: Ambry Variant Classification Scheme 2023. Collection method: clinical testing. Allele origin: germline.

Fulgent Genetics
Classification: Uncertain significance for Polyps, multiple and recurrent inflammatory fibroid, gastrointestinal; Idiopathic hypereosinophilic syndrome. Last evaluated: 2024-04-05. Review status: criteria provided, single submitter. Criteria: ACMG Guidelines, 2015. Collection method: clinical testing. Allele origin: germline.

Baylor Genetics
Classification: Uncertain significance for Polyps, multiple and recurrent inflammatory fibroid, gastrointestinal. Last evaluated: 2024-02-29. Review status: criteria provided, single submitter. Criteria: ACMG Guidelines, 2015. Collection method: clinical testing. Allele origin: unknown.

Revvity Omics, Revvity
Classification: Uncertain significance for Idiopathic hypereosinophilic syndrome. Last evaluated: 2022-04-11. Review status: criteria provided, single submitter. Criteria: ACMG Guidelines, 2015. Collection method: clinical testing. Allele origin: germline.

Institute for Clinical Genetics, University Hospital TU Dresden, University Hospital TU Dresden
Classification: Uncertain significance. Last evaluated: 2021-11-03. Review status: criteria provided, single submitter. Criteria: ACMG Guidelines, 2015. Collection method: clinical testing. Allele origin: germline.

Illumina Laboratory Services, Illumina
Classification: Uncertain significance for Gastrointestinal stromal tumor. Last evaluated: 2018-01-13. Review status: criteria provided, single submitter. Criteria: ICSL Variant Classification Criteria 13 December 2019. Collection method: clinical testing. Allele origin: germline.

Illumina Laboratory Services, Illumina
Classification: Likely benign for Idiopathic hypereosinophilic syndrome. Last evaluated: 2018-01-13. Review status: criteria provided, single submitter. Criteria: ICSL Variant Classification Criteria 13 December 2019. Collection method: clinical testing. Allele origin: germline.
Comment: This variant was observed in the ICSL laboratory as part of a predisposition screen in an ostensibly healthy population. It had not been previously curated by ICSL or reported in the Human Gene Mutation Database (HGMD: prior to June 1st, 2018), and was therefore a candidate for classification through an automated scoring system. Utilizing variant allele frequency, disease prevalence and penetrance estimates, and inheritance mode, an automated score was calculated to assess if this variant is too frequent to cause the disease. Based on the score and internal cut-off values, a variant classified as likely benign is not then subjected to further curation. The score for this variant resulted in a classification of likely benign for this disease.

PreventionGenetics, part of Exact Sciences
Classification: Uncertain significance for PDGFRA-related condition. Last evaluated: 2024-06-12. Review status: no assertion criteria provided. Collection method: clinical testing. Allele origin: germline. Not counted in ClinVar's aggregate classification.
Comment: The PDGFRA c.2897A>G variant is predicted to result in the amino acid substitution p.His966Arg. This variant was reported as a variant of uncertain significance in a high-throughput sequencing analysis of cancer-susceptibility genes (Table S1. Johnston et al. 2012. PubMed ID: 22703879). This variant is reported in 0.014% of alleles in individuals of European (Non-Finnish) descent in gnomAD. At this time, the clinical significance of this variant is uncertain due to the absence of conclusive functional and genetic evidence.

Biesecker Lab/Clinical Genomics Section, National Institutes of Health
Classification: Uncertain significance. Last evaluated: 2012-07-13. Review status: no assertion criteria provided. Collection method: research. Allele origin: germline. Affected: no. Observed: 1 variant allele. Study: ClinSeq. Not counted in ClinVar's aggregate classification.
ClinVar note: Converted during submission from variant of unknown significance to Uncertain significance.

NM_006206.6(PDGFRA):c.2897A>G (p.His966Arg)

Gene: PDGFRA (platelet derived growth factor receptor alpha; plus strand). Cytogenetic location: 4q12.
Variant type: single nucleotide variant.
Coding change: c.2897A>G on transcript NM_006206.6 (MANE Select); coding-DNA position 2897, A replaced by G.
Protein change: p.His966Arg; replaces histidine 966 with arginine.
Molecular consequence: missense variant.
Genome position (GRCh38, 1-based): chr4:54,290,329, A>G. VCF-style: chr4-54290329-A-G. GRCh37 (hg19) VCF-style: chr4-55156496-A-G.
Other names: c.2972A>G, p.His991Arg (NM_001347828.2); c.2897A>G, p.His966Arg (NM_001347829.2); c.2936A>G, p.His979Arg (NM_001347830.2); c.2897A>G (NM_006206.5); short protein forms H966R, H991R, H979R.
Identifiers: ClinVar variation 41798 (VCV000041798.33), dbSNP rs200042995, ClinGen allele CA215865.